The following is an entry in ClinVar:

ClinVar aggregate classification (germline): Pathogenic. Review status: criteria provided, multiple submitters, no conflicts (2 of 4 stars). 5 submissions from 5 submitters: Pathogenic (3). 2 of the submissions do not count toward it. Last evaluated 2024-05-02.

Conditions:
Bardet-Biedl syndrome 5 (BBS5). Identifiers: Orphanet 110, MedGen C3892039, MONDO:0014434, OMIM 615983.
BBS5-related disorder. Also called: BBS5-related condition.
Bardet-Biedl syndrome (BBS). Identifiers: Orphanet 110, MedGen C0752166, MONDO:0015229.

Submissions (5):

Fulgent Genetics
Classification: Pathogenic for Bardet-Biedl syndrome 5. Last evaluated: 2024-05-02. Review status: criteria provided, single submitter. Criteria: ACMG Guidelines, 2015. Collection method: clinical testing. Allele origin: germline.

Labcorp Genetics (formerly Invitae), Labcorp
Classification: Pathogenic for Bardet-Biedl syndrome. Last evaluated: 2023-06-23. Review status: criteria provided, single submitter. Criteria: Invitae Variant Classification Sherloc (09022015). Collection method: clinical testing. Allele origin: germline.
Comment: ClinVar contains an entry for this variant (Variation ID: 585187). This premature translational stop signal has been observed in individual(s) with Bardet-Biedl syndrome (PMID: 16877420). This variant is not present in population databases (gnomAD no frequency). This sequence change creates a premature translational stop signal (p.Gly42Glufs*11) in the BBS5 gene. It is expected to result in an absent or disrupted protein product. Loss-of-function variants in BBS5 are known to be pathogenic (PMID: 15137946, 16877420, 26325687, 27708425, 28041643, 29806606). For these reasons, this variant has been classified as Pathogenic.

Blueprint Genetics
Classification: Pathogenic for BBS5-related disorders. Last evaluated: 2021-06-24. Review status: criteria provided, single submitter. Criteria: ACMG Guidelines, 2015. Collection method: clinical testing. Allele origin: germline. Affected: yes. Observed: 4 variant alleles.

PreventionGenetics, part of Exact Sciences
Classification: Pathogenic for BBS5-related condition. Last evaluated: 2024-08-21. Review status: no assertion criteria provided. Collection method: clinical testing. Allele origin: germline. Not counted in ClinVar's aggregate classification.
Comment: The BBS5 c.123delA variant is predicted to result in a frameshift and premature protein termination (p.Gly42Glufs*11). This variant has been reported in the homozygous state in individuals of a family with Bardet-Biedl syndrome (Smaoui et al. 2006. PubMed ID: 16877420). This variant has not been reported in a large population database, indicating this variant is rare. Frameshift variants in BBS5 are expected to be pathogenic. This variant is interpreted as pathogenic.

Laboratory of Medical Genetics (UMR_S 1112), INSERM/Strasbourg University
Classification: Pathogenic for Bardet-Biedl syndrome. Last evaluated: 2018-09-15. Review status: no assertion criteria provided. Collection method: provider interpretation. Allele origin: germline. Affected: yes. Study: French fetal BBS cohort. Not counted in ClinVar's aggregate classification.

Literature cited by the submitters: PubMed 16877420 (cited by Labcorp Genetics (formerly Invitae), Labcorp); PubMed 15137946 (cited by Labcorp Genetics (formerly Invitae), Labcorp); PubMed 26325687 (cited by Labcorp Genetics (formerly Invitae), Labcorp); PubMed 27708425 (cited by Labcorp Genetics (formerly Invitae), Labcorp); PubMed 28041643 (cited by Labcorp Genetics (formerly Invitae), Labcorp); PubMed 29806606 (cited by Labcorp Genetics (formerly Invitae), Labcorp); PubMed 30614526 (cited by Laboratory of Medical Genetics (UMR_S 1112), INSERM/Strasbourg University).

NM_152384.3(BBS5):c.123del (p.Gly42fs)

Gene: BBS5 (Bardet-Biedl syndrome 5; plus strand). Cytogenetic location: 2q31.1.
Variant type: Deletion.
Coding change: c.123del on transcript NM_152384.3 (MANE Select); coding-DNA position 123, one base deleted (A; older notation c.123delA).
Protein change: p.Gly42fs; shifts the reading frame from glycine 42.
Molecular consequence: frameshift variant.
Genome position (GRCh38, 1-based): chr2:169,482,314, A deleted; the last of 3 consecutive A bases (chr2:169,482,312-169,482,314); deleting any one gives the same sequence. VCF-style (leftmost placement, unchanged base first): chr2-169482311-CA-C. GRCh37 (hg19) VCF-style: chr2-170338821-CA-C.
Other names: c.123delA (NM_152384.2); short protein forms G42fs.
Identifiers: ClinVar variation 585187 (VCV000585187.8), dbSNP rs1272140892, ClinGen allele CA760524994.
Genomic context (GRCh38, chr2:169,482,311, plus strand): 5'-GCAAATGAAAACAAGACCTGGAGAAGTCCTTATTGATTGTTTAGATTCCATTGAAGACAC[CA>C]AAGGAAATAATGGAGATAGAGGTGAGTATATTTTTAAATGTATCTTATATTCCTGGTTTA-3'